The following is an entry in ClinVar:

ClinVar aggregate classification (germline): Benign/Likely benign. Review status: criteria provided, multiple submitters, no conflicts (2 of 4 stars). 4 submissions from 4 submitters: Benign (1); Likely benign (2). 1 of the submissions does not count toward it. Last evaluated 2026-01-18.

Conditions:
RASGRP1-related disorder. Also called: RASGRP1-related condition.

Allele frequency attached by ClinVar (database versions not stated): gnomAD 0.00010 and 0.00018; gnomAD exomes 0.00017 and 0.00045; TOPMed 0.00036; 1000 Genomes Project 30x 0.00047; ExAC 0.00047; 1000 Genomes Project 0.00060.
gnomAD v4.1: 284 of 1,613,712 alleles (0.018%); highest among the groups gnomAD compares: East Asian, 0.53%; 1 homozygote.

Submissions (4):

Labcorp Genetics (formerly Invitae), Labcorp
Classification: Benign. Last evaluated: 2026-01-18. Review status: criteria provided, single submitter. Criteria: Invitae Variant Classification Sherloc (09022015). Collection method: clinical testing. Allele origin: germline.

Mayo Clinic Laboratories, Mayo Clinic
Classification: Likely benign. Last evaluated: 2024-10-09. Review status: criteria provided, single submitter. Criteria: ACMG Guidelines, 2015. Collection method: clinical testing. Allele origin: germline. Observed: 1 variant allele.
Comment: BS1, BP4, BP7

Blueprint Genetics
Classification: Likely benign. Last evaluated: 2024-06-07. Review status: criteria provided, single submitter. Criteria: ACMG Guidelines, 2015. Collection method: clinical testing. Allele origin: germline.

PreventionGenetics, part of Exact Sciences
Classification: Likely benign for RASGRP1-related condition. Last evaluated: 2019-09-20. Review status: no assertion criteria provided. Collection method: clinical testing. Allele origin: germline. Not counted in ClinVar's aggregate classification.
Comment: This variant is classified as likely benign based on ACMG/AMP sequence variant interpretation guidelines (Richards et al. 2015 PMID: 25741868, with internal and published modifications).

NM_005739.4(RASGRP1):c.801G>A (p.Thr267=)

Gene: RASGRP1 (RAS guanyl releasing protein 1; minus strand). Cytogenetic location: 15q14.
Variant type: single nucleotide variant.
Coding change: c.801G>A on transcript NM_005739.4 (MANE Select); coding-DNA position 801, G replaced by A.
Protein change: p.Thr267=; no amino-acid change (threonine 267 retained).
Molecular consequence: synonymous variant.
Genome position (GRCh38, 1-based): chr15:38,512,831, C>T on the plus strand (G>A on the coding strand, the complement: RASGRP1 is on the minus strand). VCF-style: chr15-38512831-C-T. GRCh37 (hg19) VCF-style: chr15-38805032-C-T.
Other names: p.Thr267=; c.801G>A, p.Thr267= (NM_001128602.2, NM_001306086.2); c.801G>A (NM_005739.3).
Identifiers: ClinVar variation 1597148 (VCV001597148.12), dbSNP rs200086434, ClinGen allele CA7471039.